The following is an entry in ClinVar:

NM_005901.6(SMAD2):c.956T>G (p.Val319Gly)

Gene: SMAD2 (SMAD family member 2; minus strand). Cytogenetic location: 18q21.1.
Variant type: single nucleotide variant.
Coding change: c.956T>G on transcript NM_005901.6 (MANE Select); coding-DNA position 956, T replaced by G.
Protein change: p.Val319Gly; replaces valine 319 with glycine.
Molecular consequence: missense variant.
Genome position (GRCh38, 1-based): chr18:47,848,516, A>C on the plus strand (T>G on the coding strand, the complement: SMAD2 is on the minus strand). VCF-style: chr18-47848516-A-C. GRCh37 (hg19) VCF-style: chr18-45374887-A-C.
Other names: c.956T>G, p.Val319Gly (NM_001003652.4); c.866T>G, p.Val289Gly (NM_001135937.3); short protein forms V289G, V319G.
Identifiers: ClinVar variation 4743142 (VCV004743142.1).

ClinVar aggregate classification (germline): Uncertain significance (1 of 4 stars; one submission).

Submission:

Labcorp Genetics (formerly Invitae), Labcorp
Classification: Uncertain significance. Last evaluated: 2025-11-04. Review status: criteria provided, single submitter. Criteria: Invitae Variant Classification Sherloc (09022015). Collection method: clinical testing. Allele origin: germline.
Comment: This sequence change replaces valine, which is neutral and non-polar, with glycine, which is neutral and non-polar, at codon 319 of the SMAD2 protein (p.Val319Gly). This variant is not present in population databases (gnomAD no frequency). This variant has not been reported in the literature in individuals affected with SMAD2-related conditions. Invitae Evidence Modeling of protein sequence and biophysical properties (such as structural, functional, and spatial information, amino acid conservation, physicochemical variation, residue mobility, and thermodynamic stability) indicates that this missense variant is expected to disrupt SMAD2 protein function with a positive predictive value of 80%. In summary, the available evidence is currently insufficient to determine the role of this variant in disease. Therefore, it has been classified as a Variant of Uncertain Significance.